The following is an entry in ClinVar:

NM_001354604.2(MITF):c.590A>G (p.Tyr197Cys)

Gene: MITF (melanocyte inducing transcription factor; plus strand). Cytogenetic location: 3p13.
Variant type: single nucleotide variant.
Coding change: c.590A>G on transcript NM_001354604.2 (MANE Select); coding-DNA position 590, A replaced by G.
Protein change: p.Tyr197Cys; replaces tyrosine 197 with cysteine.
Molecular consequence: missense variant.
Genome position (GRCh38, 1-based): chr3:69,939,105, A>G. VCF-style: chr3-69939105-A-G. GRCh37 (hg19) VCF-style: chr3-69988256-A-G.
Other names: c.269A>G (NM_000248.3); c.269A>G, p.Tyr90Cys (NM_000248.4, NM_198158.3); c.434A>G, p.Tyr145Cys (NM_001184967.2, NM_001354608.2); c.587A>G, p.Tyr196Cys (NM_001354605.2, NM_001354606.2, NM_006722.3); c.539A>G, p.Tyr180Cys (NM_001354607.2); c.590A>G, p.Tyr197Cys (NM_198159.3); c.542A>G, p.Tyr181Cys (NM_198177.3); c.101A>G, p.Tyr34Cys (NM_198178.3); short protein forms Y145C, Y90C, Y180C, Y181C, Y196C, Y197C, Y34C.
Identifiers: ClinVar variation 666856 (VCV000666856.8), dbSNP rs763827931, ClinGen allele CA2490397.

ClinVar aggregate classification (germline): Uncertain significance. Review status: criteria provided, multiple submitters, no conflicts (2 of 4 stars). 3 submissions from 3 submitters: Uncertain significance (3). Last evaluated 2026-01-04.

Conditions:
Waardenburg syndrome type 2A (WS2A). Also called: WAARDENBURG SYNDROME WITHOUT DYSTOPIA CANTHORUM. Identifiers: Orphanet 3440, MedGen C1860339, MONDO:0008671, OMIM 193510.
Tietz syndrome (TADS). Also called: ALBINISM-DEAFNESS OF TIETZ; TIETZ ALBINISM-DEAFNESS SYNDROME; HYPOPIGMENTATION/DEAFNESS OF TIETZ. Identifiers: Orphanet 42665, MedGen C0391816, MONDO:0007077, OMIM 103500.
Melanoma, cutaneous malignant, susceptibility to, 8. Also called: MELANOMA AND RENAL CELL CARCINOMA, SUSCEPTIBILITY TO; Cutaneous malignant melanoma 8. Identifiers: Orphanet 293822, MedGen C3152204, MONDO:0013759, OMIM 614456.

Allele frequency attached by ClinVar (database versions not stated): ExAC 0.00001; gnomAD 0.00001; gnomAD exomes 0.00001; TOPMed 0.00001.
gnomAD v4.1: 12 of 1,613,890 alleles (0.00074%); highest among the groups gnomAD compares: Non-Finnish European, 0.001%; no homozygotes.

Submissions (3):

Labcorp Genetics (formerly Invitae), Labcorp
Classification: Uncertain significance for Melanoma, cutaneous malignant, susceptibility to, 8; Waardenburg syndrome type 2A; Tietz syndrome. Last evaluated: 2026-01-04. Review status: criteria provided, single submitter. Criteria: Invitae Variant Classification Sherloc (09022015). Collection method: clinical testing. Allele origin: germline.
Comment: This sequence change replaces tyrosine, which is neutral and polar, with cysteine, which is neutral and slightly polar, at codon 90 of the MITF protein (p.Tyr90Cys). This variant is present in population databases (rs763827931, gnomAD 0.0009%). This variant has not been reported in the literature in individuals affected with MITF-related conditions. ClinVar contains an entry for this variant (Variation ID: 666856). An algorithm developed to predict the effect of missense changes on protein structure and function (PolyPhen-2) suggests that this variant is likely to be disruptive. In summary, the available evidence is currently insufficient to determine the role of this variant in disease. Therefore, it has been classified as a Variant of Uncertain Significance.

GeneDx
Classification: Uncertain significance. Last evaluated: 2024-05-22. Review status: criteria provided, single submitter. Criteria: GeneDx Variant Classification Process June 2021. Collection method: clinical testing. Allele origin: germline. Affected: yes.
Comment: In silico analysis supports that this missense variant does not alter protein structure/function; Has not been previously published as pathogenic or benign to our knowledge; This variant is associated with the following publications: (PMID: 29641532)

Laboratory for Molecular Medicine, Mass General Brigham Personalized Medicine
Classification: Uncertain significance. Last evaluated: 2019-10-30. Review status: criteria provided, single submitter. Criteria: LMM Criteria. Collection method: clinical testing. Allele origin: germline. Observed: 2 variant alleles.
Comment: The p.Tyr90Cys variant in MITF has not been previously reported in individuals with Waardenburg syndrome, but has been identified in 2/113446 European chromosomes by gnomAD. Computational prediction tools and conservation analyses of the missense change do not provide strong support for or against an impact to the protein. However, splicing prediction tools suggest the creation of a possible 5' splice site; though these tools are not predictive enough to assume pathogenicity. In summary, the clinical significance of the p.Tyr90Cys variant is uncertain. ACMG/AMP criteria applied: PM2, PP3.